The following is an entry in ClinVar:

ClinVar aggregate classification (germline): Uncertain significance. Review status: criteria provided, multiple submitters, no conflicts (2 of 4 stars). 7 submissions from 4 submitters: Uncertain significance (7). Last evaluated 2025-10-02.

Conditions:
Basal laminar drusen. Also called: DRUSEN OF BRUCH MEMBRANE; DRUSEN, CUTICULAR; DRUSEN, EARLY ADULT-ONSET, GROUPED. Identifiers: Orphanet 75376, MedGen C0730295, MONDO:0007472, OMIM 126700.
Age related macular degeneration 4. Identifiers: MedGen C1853147, MONDO:0012540, OMIM 610698.
Factor H deficiency (CFHD). Also called: CFH DEFICIENCY; COMPLEMENT FACTOR H DEFICIENCY. Identifiers: Orphanet 200421, MedGen C0398777, MONDO:0012350, OMIM 609814.
Hemolytic uremic syndrome, atypical, susceptibility to, 1. Also called: AHUS, SUSCEPTIBILITY TO, 1. Identifiers: Orphanet 2134, Orphanet 90038, MedGen C2749604, MONDO:0009335, OMIM 235400. Disease mechanism: Other.

Allele frequency attached by ClinVar (database versions not stated): ExAC 0.00001; gnomAD exomes 0.00001.
gnomAD v4.1: 10 of 1,611,966 alleles (0.00062%); highest among the groups gnomAD compares: South Asian, 0.0099%; no homozygotes.

Submissions (7):

Genomenon, Inc
Classification: Uncertain significance for Age related macular degeneration 4. Last evaluated: 2025-10-02. Review status: criteria provided, single submitter. Criteria: Genomenon Sequence Variant Interpretation Standards - Updated. Collection method: curation. Allele origin: germline. Affected: yes.
Comment: CFH p.Tyr243His (c.727T>C) is a missense variant that changes the amino acid at residue 243 from Tyrosine to Histidine. This variant has been observed in at least one proband affected with age-related macular degeneration (PMID:34508573). It is absent or not present at a significant frequency in gnomAD. In silico models agree that this variant is not damaging. In conclusion, we classify CFH p.Tyr243His (c.727T>C) as a variant of uncertain significance.

Genome-Nilou Lab
Classification: Uncertain significance for Hemolytic uremic syndrome, atypical, susceptibility to, 1. Last evaluated: 2023-04-11. Review status: criteria provided, single submitter. Criteria: ACMG Guidelines, 2015. Collection method: clinical testing. Allele origin: germline. Affected: no.

Genome-Nilou Lab
Classification: Uncertain significance for Age related macular degeneration 4. Last evaluated: 2023-04-11. Review status: criteria provided, single submitter. Criteria: ACMG Guidelines, 2015. Collection method: clinical testing. Allele origin: germline. Affected: no.

Genome-Nilou Lab
Classification: Uncertain significance for Basal laminar drusen. Last evaluated: 2023-04-11. Review status: criteria provided, single submitter. Criteria: ACMG Guidelines, 2015. Collection method: clinical testing. Allele origin: germline. Affected: no.

Genome-Nilou Lab
Classification: Uncertain significance for Factor H deficiency. Last evaluated: 2023-04-11. Review status: criteria provided, single submitter. Criteria: ACMG Guidelines, 2015. Collection method: clinical testing. Allele origin: germline. Affected: no.

Labcorp Genetics (formerly Invitae), Labcorp
Classification: Uncertain significance. Last evaluated: 2022-03-04. Review status: criteria provided, single submitter. Criteria: Invitae Variant Classification Sherloc (09022015). Collection method: clinical testing. Allele origin: germline.
Comment: In summary, the available evidence is currently insufficient to determine the role of this variant in disease. Therefore, it has been classified as a Variant of Uncertain Significance. Algorithms developed to predict the effect of missense changes on protein structure and function output the following: SIFT: "Deleterious"; PolyPhen-2: "Benign"; Align-GVGD: "Class C0". The histidine amino acid residue is found in multiple mammalian species, which suggests that this missense change does not adversely affect protein function. ClinVar contains an entry for this variant (Variation ID: 1037628). This variant has not been reported in the literature in individuals affected with CFH-related conditions. This variant is present in population databases (rs748692496, gnomAD 0.003%). This sequence change replaces tyrosine, which is neutral and polar, with histidine, which is basic and polar, at codon 243 of the CFH protein (p.Tyr243His).

GeneDx
Classification: Uncertain significance. Last evaluated: 2019-09-27. Review status: criteria provided, single submitter. Criteria: GeneDx Variant Classification Process June 2021. Collection method: clinical testing. Allele origin: germline. Affected: yes.
Comment: Has not been previously published as pathogenic or benign to our knowledge; In silico analysis, which includes protein predictors and evolutionary conservation, supports a deleterious effect

Literature cited by the submitters: PubMed 34508573 (cited by Genomenon, Inc).

NM_000186.4(CFH):c.727T>C (p.Tyr243His)

Gene: CFH (complement factor H; plus strand). Cytogenetic location: 1q31.3.
Variant type: single nucleotide variant.
Coding change: c.727T>C on transcript NM_000186.4 (MANE Select); coding-DNA position 727, T replaced by C.
Protein change: p.Tyr243His; replaces tyrosine 243 with histidine.
Molecular consequence: missense variant.
Genome position (GRCh38, 1-based): chr1:196,679,730, T>C. VCF-style: chr1-196679730-T-C. GRCh37 (hg19) VCF-style: chr1-196648860-T-C.
Other names: c.727T>C, p.Tyr243His (NM_001014975.3); short protein forms Y243H.
Identifiers: ClinVar variation 1037628 (VCV001037628.12), dbSNP rs748692496, ClinGen allele CA1305135.